The following is an entry in ClinVar:

NM_177972.3(TUB):c.1157G>A (p.Ser386Asn)

Genes: RIC3 (RIC3 acetylcholine receptor chaperone; minus strand), TUB (TUB bipartite transcription factor; plus strand). Cytogenetic location: 11p15.4.
Variant type: single nucleotide variant.
Coding change: c.1157G>A on transcript NM_177972.3 (MANE Select); coding-DNA position 1157, G replaced by A.
Protein change: p.Ser386Asn; replaces serine 386 with asparagine.
Molecular consequence: missense variant.
Genome position (GRCh38, 1-based): chr11:8,100,543, G>A. VCF-style: chr11-8100543-G-A. GRCh37 (hg19) VCF-style: chr11-8122090-G-A.
Other names: c.1322G>A, p.Ser441Asn (NM_003320.5); short protein forms S386N, S441N.
Identifiers: ClinVar variation 3351526 (VCV003351526.1).

ClinVar aggregate classification (germline): Uncertain significance (0 of 4 stars; one submission).

Conditions:
TUB-related disorder. Also called: TUB-related condition.

gnomAD v4.1: 20 of 1,614,116 alleles (0.0012%); highest among the groups gnomAD compares: African/African-American, 0.021%; no homozygotes.

Submission:

PreventionGenetics, part of Exact Sciences
Classification: Uncertain significance for TUB-related condition. Last evaluated: 2024-06-19. Review status: no assertion criteria provided. Collection method: clinical testing. Allele origin: germline.
Comment: The TUB c.1322G>A variant is predicted to result in the amino acid substitution p.Ser441Asn. To our knowledge, this variant has not been reported in the literature. This variant is reported in 0.016% of alleles in individuals of African descent in gnomAD. At this time, the clinical significance of this variant is uncertain due to the absence of conclusive functional and genetic evidence.